The following is an entry in ClinVar:

NM_000719.7(CACNA1C):c.5731G>C (p.Gly1911Arg)

Genes: CACNA1C (calcium voltage-gated channel subunit alpha1 C; plus strand), CACNA1C-AS1 (CACNA1C antisense RNA 1; minus strand). Cytogenetic location: 12p13.33.
Variant type: single nucleotide variant.
Coding change: c.5731G>C on transcript NM_000719.7 (MANE Select); coding-DNA position 5731, G replaced by C.
Protein change: p.Gly1911Arg; replaces glycine 1911 with arginine.
Molecular consequence: missense variant.
Genome position (GRCh38, 1-based): chr12:2,686,216, G>C. VCF-style: chr12-2686216-G-C. GRCh37 (hg19) VCF-style: chr12-2795382-G-C.
Other names: c.5875G>C, p.Gly1959Arg (NM_001129827.2); c.5854G>C, p.Gly1952Arg (NM_001129829.2); c.5836G>C, p.Gly1946Arg (NM_001129830.3, NM_001167624.3); c.5815G>C, p.Gly1939Arg (NM_001129831.2); c.5791G>C, p.Gly1931Arg (NM_001129832.2); c.5788G>C, p.Gly1930Arg (NM_001129833.2, NM_001129834.2, NM_001129835.2); c.5782G>C, p.Gly1928Arg (NM_001129836.2); c.5755G>C, p.Gly1919Arg (NM_001129837.2, NM_001129838.2); and 7 more; short protein forms G1911R, G1946R, G1959R, G1939R, G1994R, G1917R, G1952R, G1919R.
Identifiers: ClinVar variation 191427 (VCV000191427.39), dbSNP rs374528680, ClinGen allele CA236625.

ClinVar aggregate classification (germline): Conflicting classifications of pathogenicity. Review status: criteria provided, conflicting classifications (1 of 4 stars). 13 submissions from 13 submitters: Uncertain significance (9); Benign (1); Likely benign (3). Last evaluated 2026-01-27.

Conditions:
Cardiovascular phenotype. Identifiers: MedGen CN230736.
Brugada syndrome 3 (BRGDA3). Identifiers: Orphanet 130, MedGen C2678478, MONDO:0012742, OMIM 611875.
Timothy syndrome (TS). Also called: LONG QT SYNDROME WITH SYNDACTYLY. Identifiers: Orphanet 65283, MedGen C1832916, MeSH C536962, MONDO:0010979, OMIM 601005.
Long QT syndrome 8. Identifiers: MedGen CN260585, MONDO:0032756, OMIM 618447.
Long QT syndrome (LQTS). Identifiers: MedGen C0023976, MeSH D008133, MONDO:0002442. Disease mechanism: loss of function. Inheritance: Various modes of inheritance.
Cardiomyopathy (CMYO). Also called: Cardiomyopathies. Identifiers: Orphanet 167848, MedGen C0878544, MONDO:0004994, HP:0001638. Inheritance: Various modes of inheritance.

Allele frequency attached by ClinVar (database versions not stated): gnomAD 0.00003; TOPMed 0.00007; ExAC 0.00008.
gnomAD v4.1: 77 of 1,613,618 alleles (0.0048%); highest among the groups gnomAD compares: East Asian, 0.033%; 1 homozygote.

Submissions (13):

Labcorp Genetics (formerly Invitae), Labcorp
Classification: Likely benign for Long QT syndrome. Last evaluated: 2026-01-27. Review status: criteria provided, single submitter. Criteria: Invitae Variant Classification Sherloc (09022015). Collection method: clinical testing. Allele origin: germline.

CeGaT Center for Human Genetics Tuebingen
Classification: Likely benign. Last evaluated: 2025-05-01. Review status: criteria provided, single submitter. Criteria: CeGaT Center For Human Genetics Tuebingen Variant Classification Criteria Version 2. Collection method: clinical testing. Allele origin: germline. Affected: yes. Observed: 1 variant allele.
Comment: CACNA1C: BP4, BS2

Molecular Diagnostic Laboratory for Inherited Cardiovascular Disease, Montreal Heart Institute
Classification: Uncertain significance for Cardiovascular phenotype. Last evaluated: 2025-04-09. Review status: criteria provided, single submitter. Criteria: ACMG Guidelines, 2015. Collection method: clinical testing. Allele origin: germline. Affected: yes.
Comment: PS3_supp, BS1, BP4

Blueprint Genetics
Classification: Likely benign. Last evaluated: 2024-11-22. Review status: criteria provided, single submitter. Criteria: ACMG Guidelines, 2015. Collection method: clinical testing. Allele origin: germline.

Ambry Genetics
Classification: Benign for Cardiovascular phenotype. Last evaluated: 2023-10-18. Review status: criteria provided, single submitter. Criteria: Ambry Variant Classification Scheme 2023. Collection method: clinical testing. Allele origin: germline.

Molecular Genetics, Royal Melbourne Hospital
Classification: Uncertain significance for Timothy syndrome. Last evaluated: 2023-09-04. Review status: criteria provided, single submitter. Criteria: ACMG Guidelines, 2015. Collection method: clinical testing. Allele origin: germline. Inheritance: Autosomal dominant inheritance.
Comment: This sequence change in CACNA1C is predicted to replace glycine with arginine at codon 1911, p.(Gly1911Arg). The glycine residue is moderately conserved (100 vertebrates, UCSC), and is located in the cytoplasmic region. There is a large physicochemical difference between glycine and arginine. The highest population minor allele frequency in the population database gnomAD v2.1 is 0.03% (11/19,536 alleles) in the East Asian population. This variant has been reported in multiple probands with cardiac phenotypes (PMID: 25184293, 26230511, 23861362). An in vitro functional study using Cav1.2 channel vectors expressed in HEK293T cells showed increased calcium ion production during cardiac action potential suggesting that this variant impacts protein function however limited controls were included in the assay (PMID: 25184293). Computational evidence is uninformative for the missense substitution (REVEL = 0.629). Based on the classification scheme RMH Modified ACMG Guidelines v1.6.1, this variant is classified as a VARIANT OF UNCERTAIN SIGNIFICANCE. Following criteria are met: none.

Fulgent Genetics
Classification: Uncertain significance for Timothy syndrome; Brugada syndrome 3; Long QT syndrome 8. Last evaluated: 2021-09-20. Review status: criteria provided, single submitter. Criteria: ACMG Guidelines, 2015. Collection method: clinical testing. Allele origin: unknown.

Revvity Omics, Revvity
Classification: Uncertain significance. Last evaluated: 2019-12-05. Review status: criteria provided, single submitter. Criteria: ACMG Guidelines, 2015. Collection method: clinical testing. Allele origin: germline.

Mendelics
Classification: Uncertain significance for Timothy syndrome. Last evaluated: 2019-05-28. Review status: criteria provided, single submitter. Criteria: Mendelics Assertion Criteria 2017. Collection method: clinical testing. Allele origin: unknown.

Women's Health and Genetics/Laboratory Corporation of America, LabCorp
Classification: Uncertain significance. Last evaluated: 2019-04-29. Review status: criteria provided, single submitter. Criteria: LabCorp Variant Classification Summary - May 2015. Collection method: clinical testing. Allele origin: germline.
Comment: Variant summary: CACNA1C c.5731G>C (p.Gly1911Arg) results in a non-conservative amino acid change located in the Voltage-gated calcium channel subunit alpha, C-terminal domain of the encoded protein sequence. Three of five in-silico tools predict a benign effect of the variant on protein function. The variant allele was found at a frequency of 6e-05 in 249708 control chromosomes, predominantly at a frequency of 0.00056 within the East Asian subpopulation in the gnomAD database. The observed variant frequency within East Asian control individuals in the gnomAD database is approximately 56 fold of the estimated maximal expected allele frequency for a pathogenic variant in CACNA1C causing Arrhythmia phenotype (1e-05), strongly suggesting that the variant is a benign polymorphism found primarily in populations of East Asian origin. The variant, c.5731G>C, has been reported in the literature in individuals affected with Brugada Syndrome, long QT syndrome or sudden unexplained infant death (Allegue_2015, Hennessey_2014). However, one publication, Hennessey_2014, suggests the variant is inherited from the asymptomatic father, although his DNA was not available for analysis. In electrophysiological analyses, the variant was observed to cause a gain of function of CaV1.2 suggesting increased susceptibility for arrhythmias in certain clinical settings (Hennessey_2014). Four ClinVar submissions from clinical diagnostic laboratories (evaluation after 2014) cites the variant as uncertain significance. Based on the evidence outlined above, the variant was classified as VUS - possibly benign.

Center for Advanced Laboratory Medicine, UC San Diego Health, University of California San Diego
Classification: Uncertain significance for Cardiomyopathy. Last evaluated: 2018-02-11. Review status: criteria provided, single submitter. Criteria: ACMG Guidelines, 2015. Collection method: clinical testing. Allele origin: germline. Affected: yes. Observed: 1 variant allele.

Eurofins Ntd Llc (ga)
Classification: Uncertain significance. Last evaluated: 2015-02-02. Review status: criteria provided, single submitter. Criteria: EGL Classification Definitions 2015. Collection method: clinical testing. Allele origin: germline. Observed: 1 variant allele, 1 heterozygote.

Biesecker Lab/Clinical Genomics Section, National Institutes of Health
Classification: Uncertain significance. Last evaluated: 2013-06-24. Review status: criteria provided, single submitter. Criteria: Ng et al. (Circ Cardiovasc Genet. 2013). Collection method: research. Allele origin: unknown. Observed: 1 variant allele. Study: ClinSeq.
Comment: The study set was not selected for affection status in relation to any cancer. Pathogenicity categories were based on literature curation. See Pubmed ID:23861362 for details.

Medical sequencing

Literature cited by the submitters: PubMed 23861362 (cited by 3 submitters); PubMed 25184293 (cited by 3 submitters); PubMed 26230511 (cited by 3 submitters); PubMed 27502440 (cited by Ambry Genetics and Women's Health and Genetics/Laboratory Corporation of America, LabCorp); PubMed 26386135 (cited by Women's Health and Genetics/Laboratory Corporation of America, LabCorp); PubMed 29046645 (cited by Women's Health and Genetics/Laboratory Corporation of America, LabCorp); PubMed 30345660 (cited by Women's Health and Genetics/Laboratory Corporation of America, LabCorp).